The following is an entry in ClinVar:

NM_212482.4(FN1):c.4445G>A (p.Arg1482His)

Gene: FN1 (fibronectin 1; minus strand). Cytogenetic location: 2q35.
Variant type: single nucleotide variant.
Coding change: c.4445G>A on transcript NM_212482.4 (MANE Select); coding-DNA position 4445, G replaced by A.
Protein change: p.Arg1482His; replaces arginine 1482 with histidine.
Molecular consequence: missense variant.
Genome position (GRCh38, 1-based): chr2:215,386,856, C>T on the plus strand (G>A on the coding strand, the complement: FN1 is on the minus strand). VCF-style: chr2-215386856-C-T. GRCh37 (hg19) VCF-style: chr2-216251579-C-T.
Other names: c.4445G>A (NM_212482.1, NM_212482.2); c.4445G>A, p.Arg1482His (NM_001306129.2, NM_001306130.2, NM_001365517.2 and 3 more transcripts); c.4172G>A, p.Arg1391His (NM_001306131.2, NM_001306132.2, NM_001365518.2 and 7 more transcripts); short protein forms R1482H, R1391H.
Identifiers: ClinVar variation 1942332 (VCV001942332.9), dbSNP rs369288293, ClinGen allele CA2094421.
Genomic context (GRCh38, chr2:215,386,856, plus strand): 5'-TTCCGAGAGTGGGGCACCCGATCTTCTCGAGGTCTCCCACTGAAGTGCTCGGGATGATGG[C>T]GGATCCTGTAGCCAGTGATGGTGGCTCGAGGAGCAATCCAGTGCACAGTAAAAGAGTTGG-3'
Protein context (NP_997647.2, residues 1472-1492): PRATITGYRI[Arg1482His]HHPEHFSGRP

ClinVar aggregate classification (germline): Uncertain significance. Review status: criteria provided, multiple submitters, no conflicts (2 of 4 stars). 5 submissions from 5 submitters: Uncertain significance (5). Last evaluated 2026-07-07.

Conditions:
Spondylometaphyseal dysplasia - Sutcliffe type. Also called: Spondylometaphyseal Dysplasia, Corner Fracture Type; Spondylometaphyseal dysplasia, 'corner fracture' type; Sutcliffe type of spondylometaphyseal dysplasia; Sutcliffe SMD. Identifiers: Orphanet 93315, MedGen C0432221, MONDO:0008479, OMIM 184255.
Glomerulopathy with fibronectin deposits 2 (GFND2). Identifiers: Orphanet 84090, MedGen C1866075, MONDO:0011165, OMIM 601894.
Inborn genetic diseases. Identifiers: MedGen C0950123, MeSH D030342.
FN1-related disorder. Also called: FN1-related condition.

Allele frequency attached by ClinVar (database versions not stated): ExAC 0.00001; gnomAD exomes 0.00001; TOPMed 0.00001; gnomAD 0.00003; ESP Exome Variant Server 0.00008.
gnomAD v4.1: 25 of 1,613,746 alleles (0.0015%); highest among the groups gnomAD compares: Middle Eastern, 0.033%; no homozygotes.

Submissions (5):

Medgenome Labs Ltd
Classification: Uncertain significance for Glomerulopathy with fibronectin deposits 2. Last evaluated: 2026-07-07. Review status: criteria provided, single submitter. Criteria: ACMG Guidelines, 2015. Collection method: clinical testing. Allele origin: germline. Affected: yes.

PreventionGenetics, part of Exact Sciences
Classification: Uncertain significance for FN1-related condition. Last evaluated: 2026-04-02. Review status: criteria provided, single submitter. Criteria: ACMG Guidelines, 2015. Collection method: clinical testing. Allele origin: germline.
Comment: The FN1 c.4445G>A variant is predicted to result in the amino acid substitution p.Arg1482His. To our knowledge, this variant has not been reported in the literature. This variant is reported in 0.0050% of alleles in individuals of East Asian descent in gnomAD. At this time, the clinical significance of this variant is uncertain due to the absence of conclusive functional and genetic evidence.

Labcorp Genetics (formerly Invitae), Labcorp
Classification: Uncertain significance. Last evaluated: 2025-06-12. Review status: criteria provided, single submitter. Criteria: Invitae Variant Classification Sherloc (09022015). Collection method: clinical testing. Allele origin: germline.
Comment: This sequence change replaces arginine, which is basic and polar, with histidine, which is basic and polar, at codon 1482 of the FN1 protein (p.Arg1482His). This variant is present in population databases (rs369288293, gnomAD 0.005%). This variant has not been reported in the literature in individuals affected with FN1-related conditions. ClinVar contains an entry for this variant (Variation ID: 1942332). An algorithm developed to predict the effect of missense changes on protein structure and function (PolyPhen-2) suggests that this variant is likely to be disruptive. In summary, the available evidence is currently insufficient to determine the role of this variant in disease. Therefore, it has been classified as a Variant of Uncertain Significance.

Ambry Genetics
Classification: Uncertain significance for Inborn genetic diseases. Last evaluated: 2025-04-12. Review status: criteria provided, single submitter. Criteria: Ambry Variant Classification Scheme 2023. Collection method: clinical testing. Allele origin: germline.

Fulgent Genetics
Classification: Uncertain significance for Spondylometaphyseal dysplasia - Sutcliffe type; Glomerulopathy with fibronectin deposits 2. Last evaluated: 2024-03-05. Review status: criteria provided, single submitter. Criteria: ACMG Guidelines, 2015. Collection method: clinical testing. Allele origin: germline.